The following is an entry in ClinVar:

ClinVar aggregate classification (germline): Pathogenic (1 of 4 stars; one submission).

Conditions:
Autosomal recessive limb-girdle muscular dystrophy. Identifiers: Orphanet 102015, MedGen C2931907, MONDO:0015152.

Submission:

Myriad Genetics, Inc.
Classification: Pathogenic for Autosomal recessive limb-girdle muscular dystrophy. Last evaluated: 2026-08-08. Review status: criteria provided, single submitter. Criteria: Myriad Autosomal Dominant, Autosomal Recessive and X-Linked Classification Criteria (2023). Collection method: clinical testing. Allele origin: unknown.
Comment: NM_003494.3(DYSF):c.145G>T(G49*) is expected to be pathogenic in the context of dysferlinopathy. This variant is predicted to lead to an abnormal or absent protein product due to the creation of a premature termination codon in DYSF, a gene where loss-of-function variants are known to be pathogenic. Please note: this variant was assessed in the context of healthy population screening.

NM_001130987.2(DYSF):c.148G>T (p.Gly50Ter)

Gene: DYSF (dysferlin; plus strand). Cytogenetic location: 2p13.2.
Variant type: single nucleotide variant.
Coding change: c.148G>T on transcript NM_001130987.2 (MANE Select); coding-DNA position 148, G replaced by T.
Protein change: p.Gly50Ter; replaces glycine 50 with a stop codon.
Molecular consequence: nonsense.
Genome position (GRCh38, 1-based): chr2:71,481,879, G>T. VCF-style: chr2-71481879-G-T. GRCh37 (hg19) VCF-style: chr2-71709009-G-T.
Other names: c.148G>T, p.Gly50Ter (NM_001130455.2, NM_001130982.2, NM_001130983.2 and 3 more transcripts); c.145G>T, p.Gly49Ter (NM_001130976.2, NM_001130977.2, NM_001130978.2 and 4 more transcripts); short protein forms G49*, G50*.
Identifiers: ClinVar variation 5016222 (VCV005016222.1).